The following is an entry in ClinVar:

NM_015662.3(IFT172):c.4936C>T (p.Arg1646Ter)

Genes: IFT172 (intraflagellar transport 172; minus strand), KRTCAP3 (keratinocyte associated protein 3; plus strand). Cytogenetic location: 2p23.3.
Variant type: single nucleotide variant.
Coding change: c.4936C>T on transcript NM_015662.3 (MANE Select); coding-DNA position 4936, C replaced by T.
Protein change: p.Arg1646Ter; replaces arginine 1646 with a stop codon.
Molecular consequence: nonsense. On other transcripts: intron variant (1).
Genome position (GRCh38, 1-based): chr2:27,445,428, G>A on the plus strand (C>T on the coding strand, the complement: IFT172 is on the minus strand). VCF-style: chr2-27445428-G-A. GRCh37 (hg19) VCF-style: chr2-27668295-G-A.
Other names: c.4870C>T, p.Arg1624Ter (NM_001410739.1); c.*6-873G>A (NM_001168364.2); short protein forms R1646*, R1624*.
Identifiers: ClinVar variation 2927908 (VCV002927908.5), dbSNP rs760097703, ClinGen allele CA1579406.

ClinVar aggregate classification (germline): Pathogenic/Likely pathogenic. Review status: criteria provided, multiple submitters, no conflicts (2 of 4 stars). 2 submissions from 2 submitters: Pathogenic (1); Likely pathogenic (1). Last evaluated 2023-10-29.

Conditions:
Short-rib thoracic dysplasia 10 with or without polydactyly (SRTD10). Identifiers: Orphanet 474, MedGen C3810175, MONDO:0014284, OMIM 615630.
Retinitis pigmentosa 71 (RP71). Identifiers: Orphanet 791, MedGen C4225342, MONDO:0014618, OMIM 616394.
Bardet-Biedl syndrome 20. Identifiers: MedGen C4310707, MONDO:0023670, OMIM 619471, MONDO:0014926.

Allele frequency attached by ClinVar (database versions not stated): gnomAD exomes below 0.00001; ExAC 0.00002.
gnomAD v4.1: 7 of 1,611,356 alleles (0.00043%); highest among the groups gnomAD compares: East Asian, 0.0045%; no homozygotes.

Submissions (2):

Labcorp Genetics (formerly Invitae), Labcorp
Classification: Pathogenic for Retinitis pigmentosa 71; Short-rib thoracic dysplasia 10 with or without polydactyly. Last evaluated: 2023-10-29. Review status: criteria provided, single submitter. Criteria: Invitae Variant Classification Sherloc (09022015). Collection method: clinical testing. Allele origin: germline.
Comment: This sequence change creates a premature translational stop signal (p.Arg1646*) in the IFT172 gene. It is expected to result in an absent or disrupted protein product. Loss-of-function variants in IFT172 are known to be pathogenic (PMID: 24140113). This variant is present in population databases (rs760097703, gnomAD 0.01%). This variant has not been reported in the literature in individuals affected with IFT172-related conditions. For these reasons, this variant has been classified as Pathogenic.

Juno Genomics, Hangzhou Juno Genomics, Inc
Classification: Likely pathogenic for Retinitis pigmentosa 71; Bardet-Biedl syndrome 20; Short-rib thoracic dysplasia 10 with or without polydactyly. Review status: criteria provided, single submitter. Criteria: ACMG Guidelines, 2015. Collection method: clinical testing. Allele origin: germline.
Comment: Absent from controls (or at extremely low frequency if recessive) in Genome Aggregation Database.;Null variant in a gene where loss of function (LOF) is a known mechanism of disease.

Literature cited by the submitters: PubMed 24140113 (cited by Labcorp Genetics (formerly Invitae), Labcorp).